The following is an entry in ClinVar:

ClinVar aggregate classification (germline): Uncertain significance. Review status: criteria provided, multiple submitters, no conflicts (2 of 4 stars). 2 submissions from 2 submitters: Uncertain significance (2). Last evaluated 2022-11-23.

Allele frequency attached by ClinVar (database versions not stated): gnomAD exomes 0.00001; ExAC 0.00003.
gnomAD v4.1: 3 of 1,606,726 alleles (0.00019%); highest among the groups gnomAD compares: Admixed American, 0.005%; no homozygotes.

Submissions (2):

Blueprint Genetics
Classification: Uncertain significance. Last evaluated: 2022-11-23. Review status: criteria provided, single submitter. Criteria: ACMG Guidelines, 2015. Collection method: clinical testing. Allele origin: germline.

Center for Pediatric Genomic Medicine, Children's Mercy Hospital and Clinics
Classification: Uncertain significance. Last evaluated: 2016-01-21. Review status: criteria provided, single submitter. Criteria: ACMG Guidelines, 2015. Collection method: clinical testing. Allele origin: germline.
ClinVar note: Converted during submission from Uncertain Significance to Uncertain significance.

NM_001377.3(DYNC2H1):c.10874C>T (p.Ala3625Val)

Gene: DYNC2H1 (dynein cytoplasmic 2 heavy chain 1; plus strand). Cytogenetic location: 11q22.3.
Variant type: single nucleotide variant.
Coding change: c.10874C>T on transcript NM_001377.3 (MANE Select); coding-DNA position 10874, C replaced by T.
Protein change: p.Ala3625Val; replaces alanine 3625 with valine.
Molecular consequence: missense variant.
Genome position (GRCh38, 1-based): chr11:103,283,069, C>T. VCF-style: chr11-103283069-C-T. GRCh37 (hg19) VCF-style: chr11-103153798-C-T.
Other names: c.10895C>T, p.Ala3632Val (NM_001080463.2); short protein forms A3632V, A3625V.
Identifiers: ClinVar variation 235295 (VCV000235295.4), dbSNP rs775630937, ClinGen allele CA6255091.
Genomic context (GRCh38, chr11:103,283,069, plus strand): 5'-ACTCTCAACAAAAAATACGTGATCAGCTTCCGTCTTGGATAGATCAGGAACGAAGCTGGG[C>T]CGTGGCAACATTAAAGGTATTCCTTTTCTACTATGAGACATGTTTTAATTTCTTCTGTAT-3'
Protein context (NP_001368.2, residues 3615-3635): PSWIDQERSW[Ala3625Val]VATLKIALPS